The following is an entry in ClinVar:

ClinVar aggregate classification (germline): Uncertain significance (0 of 4 stars; one submission).

Conditions:
KCNN4-related disorder. Also called: KCNN4-related condition.

Allele frequency attached by ClinVar (database versions not stated): gnomAD 0.00002; TOPMed 0.00002; gnomAD exomes 0.00003; ExAC 0.00004; 1000 Genomes Project 30x 0.00016; 1000 Genomes Project 0.00020.
gnomAD v4.1: 42 of 1,614,020 alleles (0.0026%); highest among the groups gnomAD compares: Admixed American, 0.005%; no homozygotes.

Submission:

PreventionGenetics, part of Exact Sciences
Classification: Uncertain significance for KCNN4-related condition. Last evaluated: 2023-12-31. Review status: no assertion criteria provided. Collection method: clinical testing. Allele origin: germline.
Comment: The KCNN4 c.44G>A variant is predicted to result in the amino acid substitution p.Arg15Gln. This variant was reported in an individual with suspected myelodysplastic syndrome (Attardi et al. 2023. PubMed ID: 36695705). This variant is reported in 0.0098% of alleles in individuals of South Asian descent in gnomAD. At this time, the clinical significance of this variant is uncertain due to the absence of conclusive functional and genetic evidence.

NM_002250.3(KCNN4):c.44G>A (p.Arg15Gln)

Gene: KCNN4 (potassium calcium-activated channel subfamily N member 4; minus strand). Cytogenetic location: 19q13.31.
Variant type: single nucleotide variant.
Coding change: c.44G>A on transcript NM_002250.3 (MANE Select); coding-DNA position 44, G replaced by A.
Protein change: p.Arg15Gln; replaces arginine 15 with glutamine.
Molecular consequence: missense variant.
Genome position (GRCh38, 1-based): chr19:43,780,818, C>T on the plus strand (G>A on the coding strand, the complement: KCNN4 is on the minus strand). VCF-style: chr19-43780818-C-T. GRCh37 (hg19) VCF-style: chr19-44284970-C-T.
Other names: short protein forms R15Q.
Identifiers: ClinVar variation 3032954 (VCV003032954.2), dbSNP rs559217599, ClinGen allele CA9492113.
Genomic context (GRCh38, chr19:43,780,818, plus strand): 5'-GTTCCTGCCAGCACCAGTGCCCAGCCGGCCAGAGACTTCTCCTGCTCCAGCAAGCGCTTT[C>T]GGCGTCTCAAGGCCCCCAGGCCAAGCACCAGATCCCCGCCCATGGCCCCCGGGGTCTTGG-3'
Protein context (NP_002241.1, residues 5-25): LVLGLGALRR[Arg15Gln]KRLLEQEKSL